The following is an entry in ClinVar:

ClinVar aggregate classification (germline): Uncertain significance. Review status: criteria provided, multiple submitters, no conflicts (2 of 4 stars). 3 submissions from 3 submitters: Uncertain significance (3). Last evaluated 2024-10-04.

Conditions:
KDM6A-related disorder. Also called: KDM6A-related condition.
Kabuki syndrome 2 (KABUK2). Also called: KDM6A-Related Kabuki Syndrome. Identifiers: Orphanet 2322, MedGen C3275495, MONDO:0010465, OMIM 300867.

Allele frequency attached by ClinVar (database versions not stated): gnomAD exomes below 0.00001 and 0.00001; gnomAD 0.00003; TOPMed 0.00003.
gnomAD v4.1: 4 of 1,207,411 alleles (0.00033%); highest among the groups gnomAD compares: African/African-American, 0.007%; no homozygotes.

Submissions (3):

Labcorp Genetics (formerly Invitae), Labcorp
Classification: Uncertain significance for Kabuki syndrome 2. Last evaluated: 2024-10-04. Review status: criteria provided, single submitter. Criteria: Invitae Variant Classification Sherloc (09022015). Collection method: clinical testing. Allele origin: germline.
Comment: This sequence change replaces glycine, which is neutral and non-polar, with serine, which is neutral and polar, at codon 407 of the KDM6A protein (p.Gly407Ser). This variant is present in population databases (no rsID available, gnomAD 0.009%). This variant has not been reported in the literature in individuals affected with KDM6A-related conditions. ClinVar contains an entry for this variant (Variation ID: 1032117). Invitae Evidence Modeling of protein sequence and biophysical properties (such as structural, functional, and spatial information, amino acid conservation, physicochemical variation, residue mobility, and thermodynamic stability) indicates that this missense variant is not expected to disrupt KDM6A protein function with a negative predictive value of 80%. In summary, the available evidence is currently insufficient to determine the role of this variant in disease. Therefore, it has been classified as a Variant of Uncertain Significance.

PreventionGenetics, part of Exact Sciences
Classification: Uncertain significance for KDM6A-related condition. Last evaluated: 2023-07-31. Review status: criteria provided, single submitter. Criteria: ACMG Guidelines, 2015. Collection method: clinical testing. Allele origin: germline.
Comment: The KDM6A c.1219G>A variant is predicted to result in the amino acid substitution p.Gly407Ser. To our knowledge, this variant has not been reported in the literature. This variant is reported in 0.0079% of alleles in individuals of African descent in gnomAD. At this time, the clinical significance of this variant is uncertain due to the absence of conclusive functional and genetic evidence.

Baylor Genetics
Classification: Uncertain significance for Kabuki syndrome 2. Last evaluated: 2018-08-16. Review status: criteria provided, single submitter. Criteria: ACMG Guidelines, 2015. Collection method: clinical testing. Allele origin: unknown. Affected: yes.
Comment: This variant was determined to be of uncertain significance according to ACMG Guidelines, 2015 [PMID:25741868].

NM_001291415.2(KDM6A):c.1219G>A (p.Gly407Ser)

Gene: KDM6A (lysine demethylase 6A; plus strand). Cytogenetic location: Xp11.3.
Variant type: single nucleotide variant.
Coding change: c.1219G>A on transcript NM_001291415.2 (MANE Select); coding-DNA position 1219, G replaced by A.
Protein change: p.Gly407Ser; replaces glycine 407 with serine.
Molecular consequence: missense variant. On other transcripts: intron variant (4).
Genome position (GRCh38, 1-based): chrX:45,060,046, G>A. VCF-style: chrX-45060046-G-A. GRCh37 (hg19) VCF-style: chrX-44919291-G-A.
Other names: c.1219G>A, p.Gly407Ser (NM_021140.4); c.1219G>A (NM_021140.3); c.1195-563G>A (NM_001291416.2); c.1194+580G>A (NM_001291417.2, NM_001291418.2); c.441+580G>A (NM_001291421.2); short protein forms G407S.
Identifiers: ClinVar variation 1032117 (VCV001032117.4), dbSNP rs1016586399, ClinGen allele CA329044037.
Genomic context (GRCh38, chrX:45,060,046, plus strand): 5'-TTGTGTTAAATTTGCTTTTTACATAATTTTTCCTAGGCTCAGTTGTGTAACCTTCCACAA[G>A]GTAGTCTACAGAATAAAACTAAATTACTTCCTAGTATTGAGGAGGCGTGGAGCCTACCAA-3'
Protein context (NP_001278344.1, residues 397-417): LQAQLCNLPQ[Gly407Ser]SLQNKTKLLP